The following is an entry in ClinVar:

ClinVar aggregate classification (germline): Uncertain significance. Review status: criteria provided, multiple submitters, no conflicts (2 of 4 stars). 6 submissions from 6 submitters: Uncertain significance (6). Last evaluated 2025-07-09.

Conditions:
Cardiovascular phenotype. Identifiers: MedGen CN230736.
Cardiomyopathy (CMYO). Also called: Cardiomyopathies. Identifiers: Orphanet 167848, MedGen C0878544, MONDO:0004994, HP:0001638. Inheritance: Various modes of inheritance.
Hypertrophic cardiomyopathy 3. Also called: TPM1-Related Familial Hypertrophic Cardiomyopathy. Identifiers: MedGen C1861863, MONDO:0007267, OMIM 115196.
Dilated cardiomyopathy 1Y (CMD1Y). Identifiers: Orphanet 154, Orphanet 54260, MedGen C2678476, MONDO:0012744, OMIM 611878.
Hypertrophic cardiomyopathy. Also called: HYPERTROPHIC MYOCARDIOPATHY. Identifiers: Orphanet 217569, MedGen C0007194, MeSH D002312, MONDO:0005045, HP:0001639.

Allele frequency attached by ClinVar (database versions not stated): gnomAD exomes below 0.00001 and 0.00001.

Submissions (6):

Ambry Genetics
Classification: Uncertain significance for Cardiovascular phenotype. Last evaluated: 2025-07-09. Review status: criteria provided, single submitter. Criteria: Ambry Variant Classification Scheme 2023. Collection method: clinical testing. Allele origin: germline.
Comment: The p.M1? variant (also known as c.2T>C) is located in coding exon 1 of the TPM1 gene and results from a T to C substitution at nucleotide position 2. This alters the methionine residue at the initiation codon (ATG). This variant was reported in individual(s) with features consistent with dilated cardiomyopathy (Saito T et al. ESC Heart Fail. 2021 Dec;8(6):5178-5191). Sequence variations that modify the initiation codon are expected to result in either loss of translation initiation, N-terminal truncation, or cause a shift in the mRNA reading frame. However, loss of function of TPM1 has not been established as a mechanism of disease. Based on the available evidence, the clinical significance of this alteration remains unclear.

Labcorp Genetics (formerly Invitae), Labcorp
Classification: Uncertain significance for Hypertrophic cardiomyopathy. Last evaluated: 2025-02-05. Review status: criteria provided, single submitter. Criteria: Invitae Variant Classification Sherloc (09022015). Collection method: clinical testing. Allele origin: germline.
Comment: This sequence change affects the initiator methionine of the TPM1 mRNA. The next in-frame methionine is located at codon 8. The frequency data for this variant in the population databases is considered unreliable, as metrics indicate poor data quality at this position in the gnomAD database. Disruption of the initiator codon has been observed in individual(s) with TPM1-related conditions (PMID: 34486814). ClinVar contains an entry for this variant (Variation ID: 1374193). Experimental studies and prediction algorithms are not available or were not evaluated, and the functional significance of this variant is currently unknown. In summary, the available evidence is currently insufficient to determine the role of this variant in disease. Therefore, it has been classified as a Variant of Uncertain Significance.

GeneDx
Classification: Uncertain significance. Last evaluated: 2024-09-03. Review status: criteria provided, single submitter. Criteria: GeneDx Variant Classification Process June 2021. Collection method: clinical testing. Allele origin: germline. Affected: yes.
Comment: Identified in a patient with DCM who also harbored a likely pathogenic variant in the TRPM4 gene (PMID: 34486814); Not observed at significant frequency in large population cohorts (gnomAD); Initiation codon variant in a gene for which loss of function is not a known mechanism of disease; This variant is associated with the following publications: (PMID: 24503780, 34486814)

All of Us Research Program, National Institutes of Health
Classification: Uncertain significance for Hypertrophic cardiomyopathy. Last evaluated: 2023-12-18. Review status: criteria provided, single submitter. Criteria: ACMG Guidelines, 2015. Collection method: clinical testing. Allele origin: germline. Inheritance: Autosomal dominant inheritance. Observed: 1 variant allele, 1 heterozygote.
Comment: This variant results in the loss of the translation initiator methionine at codon 1 of the TPM1 gene. This variant is expected to disrupt translation initiation and result in an absent or truncated protein product. To our knowledge, functional studies have not been reported for this variant. This variant has been reported in two individuals affected with dilated cardiomyopathy (PMID: 24503780, 34486814). This variant has been identified in 1/248122 chromosomes in the general population by the Genome Aggregation Database (gnomAD). Clinical relevance of loss-of-function TPM1 truncation variants in autosomal dominant cardiovascular disorders is not clearly established. The available evidence is insufficient to determine the role of this variant in disease conclusively. Therefore, this variant is classified as a Variant of Uncertain Significance.

This study involves interpretation of variants in research participants for the purpose of population health screening. Participant phenotype was not available at the time of variant classification. Additional details can be found in publication PMID: 35346344, PMCID: PMC8962531

Color Diagnostics, LLC DBA Color Health
Classification: Uncertain significance for Cardiomyopathy. Last evaluated: 2023-11-27. Review status: criteria provided, single submitter. Criteria: ACMG Guidelines, 2015. Collection method: clinical testing. Allele origin: germline.
Comment: This variant results in the loss of the translation initiator methionine at codon 1 of the TPM1 gene. This variant is expected to disrupt translation initiation and result in an absent or truncated protein product. To our knowledge, functional studies have not been reported for this variant. This variant has been reported in two individuals affected with dilated cardiomyopathy (PMID: 24503780, 34486814). This variant has been identified in 1/248122 chromosomes in the general population by the Genome Aggregation Database (gnomAD). Clinical relevance of loss-of-function TPM1 truncation variants in autosomal dominant cardiovascular disorders is not clearly established. The available evidence is insufficient to determine the role of this variant in disease conclusively. Therefore, this variant is classified as a Variant of Uncertain Significance.

Fulgent Genetics
Classification: Uncertain significance for Hypertrophic cardiomyopathy 3; Dilated cardiomyopathy 1Y. Last evaluated: 2021-07-01. Review status: criteria provided, single submitter. Criteria: ACMG Guidelines, 2015. Collection method: clinical testing. Allele origin: unknown.

Literature cited by the submitters: PubMed 34486814 (cited by 4 submitters); PubMed 24503780 (cited by All of Us Research Program, National Institutes of Health and Color Diagnostics, LLC DBA Color Health).

NM_001018005.2(TPM1):c.2T>C (p.Met1Thr)

Gene: TPM1 (tropomyosin 1; plus strand). Cytogenetic location: 15q22.2.
Variant type: single nucleotide variant.
Coding change: c.2T>C on transcript NM_001018005.2 (MANE Select); coding-DNA position 2, T replaced by C.
Protein change: p.Met1Thr; changes the start codon (methionine 1).
Molecular consequence: missense variant, initiator codon variant.
Genome position (GRCh38, 1-based): chr15:63,042,831, T>C. VCF-style: chr15-63042831-T-C. GRCh37 (hg19) VCF-style: chr15-63335030-T-C.
Other names: c.2T>C (NM_001018005.1); c.2T>C, p.Met1Thr (NM_000366.6, NM_001018004.2, NM_001018006.2 and 7 more transcripts); short protein forms M1T.
Identifiers: ClinVar variation 1374193 (VCV001374193.10), dbSNP rs1475635564, ClinGen allele CA392717912.
Genomic context (GRCh38, chr15:63,042,831, plus strand): 5'-GACCGCGCGCTCGCCCCGCCGCTCCTGCTGCAGCCCCAGGGCCCCTCGCCGCCGCCACCA[T>C]GGACGCCATCAAGAAGAAGATGCAGATGCTGAAGCTCGACAAGGAGAACGCCTTGGATCG-3'
Protein context (NP_001018005.1, residues 1-11): [Met1Thr]DAIKKKMQML